The following is an entry in ClinVar:

ClinVar aggregate classification (germline): Pathogenic (1 of 4 stars; one submission).

Conditions:
Joubert syndrome 3 (JBTS3). Also called: AHI1-related Ciliopathy. Identifiers: Orphanet 220493, MedGen C1837713, MONDO:0012078, OMIM 608629.

Submission:

Myriad Genetics, Inc.
Classification: Pathogenic for Joubert syndrome 3. Last evaluated: 2024-08-07. Review status: criteria provided, single submitter. Criteria: Myriad Autosomal Dominant, Autosomal Recessive and X-Linked Classification Criteria (2023). Collection method: clinical testing. Allele origin: unknown.
Comment: NM_001134831.1(AHI1):c.2748T>A(Y916*) is expected to be pathogenic in the context of Joubert syndrome, AHI1-related. This variant is predicted to lead to an abnormal or absent protein product due to the creation of a premature termination codon in AHI1, a gene where loss-of-function variants are known to be pathogenic. Please note: this variant was assessed in the context of healthy population screening.

NM_001134831.2(AHI1):c.2748T>A (p.Tyr916Ter)

Gene: AHI1 (Abelson helper integration site 1; minus strand). Cytogenetic location: 6q23.3.
Variant type: single nucleotide variant.
Coding change: c.2748T>A on transcript NM_001134831.2 (MANE Select); coding-DNA position 2748, T replaced by A.
Protein change: p.Tyr916Ter; replaces tyrosine 916 with a stop codon.
Molecular consequence: nonsense.
Genome position (GRCh38, 1-based): chr6:135,427,183, A>T on the plus strand (T>A on the coding strand, the complement: AHI1 is on the minus strand). VCF-style: chr6-135427183-A-T. GRCh37 (hg19) VCF-style: chr6-135748321-A-T.
Other names: c.2748T>A, p.Tyr916Ter (NM_001134830.2, NM_001134832.2, NM_001350503.2 and 2 more transcripts); short protein forms Y916*.
Identifiers: ClinVar variation 5013426 (VCV005013426.1).
Genomic context (GRCh38, chr6:135,427,183, plus strand): 5'-AAGGTTACTCTAAAAATTCTTTACTTATCAAGTGGTAGACTTACCATGGAAATCGTAAAT[A>T]TACAGAAGAATTGGCTCATTTTGCCCAAATGCACAGAATGCAACCATATTTTCAAATGGA-3'